The following is an entry in ClinVar:

ClinVar aggregate classification (germline): Benign. Review status: criteria provided, single submitter (1 of 4 stars). 2 submissions from 2 submitters: Benign (1). 1 of the submissions does not count toward it. Last evaluated 2023-09-14.

Conditions:
Cornelia de Lange syndrome 1 (CDLS1). Also called: TYPUS DEGENERATIVUS AMSTELODAMENSIS; Brachmann de Lange syndrome; NIPBL-Related Cornelia de Lange Syndrome. Identifiers: Orphanet 199, MedGen C4551851, MONDO:0007387, OMIM 122470.
NIPBL-related disorder. Also called: NIPBL-related condition.

Allele frequency attached by ClinVar (database versions not stated): gnomAD 0.00002; gnomAD exomes 0.00002; ExAC 0.00004; TOPMed 0.00005.
gnomAD v4.1: 34 of 1,612,038 alleles (0.0021%); highest among the groups gnomAD compares: East Asian, 0.063%; no homozygotes.

Submissions (2):

Labcorp Genetics (formerly Invitae), Labcorp
Classification: Benign for Cornelia de Lange syndrome 1. Last evaluated: 2023-09-14. Review status: criteria provided, single submitter. Criteria: Invitae Variant Classification Sherloc (09022015). Collection method: clinical testing. Allele origin: germline.

PreventionGenetics, part of Exact Sciences
Classification: Likely benign for NIPBL-related condition. Last evaluated: 2021-11-22. Review status: no assertion criteria provided. Collection method: clinical testing. Allele origin: germline. Not counted in ClinVar's aggregate classification.
Comment: This variant is classified as likely benign based on ACMG/AMP sequence variant interpretation guidelines (Richards et al. 2015 PMID: 25741868, with internal and published modifications).

NM_133433.4(NIPBL):c.4986C>T (p.Asn1662=)

Gene: NIPBL (NIPBL cohesin loading factor; plus strand). Cytogenetic location: 5p13.2.
Variant type: single nucleotide variant.
Coding change: c.4986C>T on transcript NM_133433.4 (MANE Select); coding-DNA position 4986, C replaced by T.
Protein change: p.Asn1662=; no amino-acid change (asparagine 1662 retained).
Molecular consequence: synonymous variant.
Genome position (GRCh38, 1-based): chr5:37,019,376, C>T. VCF-style: chr5-37019376-C-T. GRCh37 (hg19) VCF-style: chr5-37019478-C-T.
Other names: c.4986C>T, p.Asn1662= (NM_015384.5); c.4986C>T (NM_133433.3).
Identifiers: ClinVar variation 3005858 (VCV003005858.5), dbSNP rs754312670, ClinGen allele CA3236668.
Genomic context (GRCh38, chr5:37,019,376, plus strand): 5'-AGGAGGGGAAGATGAAATCCAACAATTACAAAAAGCATTGCTTGATTACTTGGATGAAAA[C>T]ACTGAGACTGATCCTTCACTAGTGGTAGGATTCTTTTCCCCTGTTTTGGAGATACTACAT-3'
Protein context (NP_597677.2, residues 1652-1672): QKALLDYLDE[Asn1662=]TETDPSLVFS